The following is an entry in ClinVar:

NM_000081.4(LYST):c.1882A>C (p.Ile628Leu)

Gene: LYST (lysosomal trafficking regulator; minus strand). Cytogenetic location: 1q42.3.
Variant type: single nucleotide variant.
Coding change: c.1882A>C on transcript NM_000081.4 (MANE Select); coding-DNA position 1882, A replaced by C.
Protein change: p.Ile628Leu; replaces isoleucine 628 with leucine.
Molecular consequence: missense variant.
Genome position (GRCh38, 1-based): chr1:235,808,936, T>G on the plus strand (A>C on the coding strand, the complement: LYST is on the minus strand). VCF-style: chr1-235808936-T-G. GRCh37 (hg19) VCF-style: chr1-235972236-T-G.
Other names: c.1882A>C, p.Ile628Leu (NM_001301365.1); short protein forms I628L.
Identifiers: ClinVar variation 2093142 (VCV002093142.4), dbSNP rs2527108791, ClinGen allele CA344961431.
Genomic context (GRCh38, chr1:235,808,936, plus strand): 5'-CTAGTTGGTCAGAGTCAACAGTACAAATATTACAAGCTGCTTTTTTAATTTTTGGTGATA[T>G]CTCTGCTCCTCCTAACTGATCCAAAATAAGTTTGTTAAGGATATTCAATATATGCTGCTG-3'
Protein context (NP_000072.2, residues 618-638): LILDQLGGAE[Ile628Leu]SPKIKKAACN

ClinVar aggregate classification (germline): Uncertain significance (1 of 4 stars; one submission).

Conditions:
Chédiak-Higashi syndrome (CHS). Also called: Chediak-Higashi Syndrome. Identifiers: Orphanet 167, MedGen C0007965, MONDO:0008963, OMIM 214500.

Submission:

Labcorp Genetics (formerly Invitae), Labcorp
Classification: Uncertain significance for Chédiak-Higashi syndrome. Last evaluated: 2025-01-06. Review status: criteria provided, single submitter. Criteria: Invitae Variant Classification Sherloc (09022015). Collection method: clinical testing. Allele origin: germline.
Comment: This sequence change replaces isoleucine, which is neutral and non-polar, with leucine, which is neutral and non-polar, at codon 628 of the LYST protein (p.Ile628Leu). This variant is not present in population databases (gnomAD no frequency). This variant has not been reported in the literature in individuals affected with LYST-related conditions. ClinVar contains an entry for this variant (Variation ID: 2093142). Invitae Evidence Modeling of protein sequence and biophysical properties (such as structural, functional, and spatial information, amino acid conservation, physicochemical variation, residue mobility, and thermodynamic stability) indicates that this missense variant is not expected to disrupt LYST protein function with a negative predictive value of 80%. In summary, the available evidence is currently insufficient to determine the role of this variant in disease. Therefore, it has been classified as a Variant of Uncertain Significance.